The following is an entry in ClinVar:

ClinVar aggregate classification (germline): Likely pathogenic. Review status: criteria provided, multiple submitters, no conflicts (2 of 4 stars). 2 submissions from 2 submitters: Likely pathogenic (2). Last evaluated 2023-12-21.

Conditions:
Methylmalonic aciduria and homocystinuria type cblF. Also called: METHYLMALONIC ACIDEMIA AND HOMOCYSTINURIA, cblF TYPE; METHYLMALONIC ACIDURIA DUE TO VITAMIN B12-RELEASE DEFECT; VITAMIN B12 LYSOSOMAL RELEASE DEFECT; VITAMIN B12 STORAGE DISEASE; COBALAMIN F DISEASE; COBALAMIN, DEFECT IN LYSOSOMAL RELEASE OF. Identifiers: Orphanet 79284, MedGen C1848578, MONDO:0010183, OMIM 277380.
LMBRD1-related disorder. Also called: LMBRD1-related condition.

Allele frequency attached by ClinVar (database versions not stated): gnomAD exomes below 0.00001; ExAC 0.00001; gnomAD 0.00002; ESP Exome Variant Server 0.00008.
gnomAD v4.1: 5 of 1,613,174 alleles (0.00031%); highest among the groups gnomAD compares: Admixed American, 0.0033%; no homozygotes.

Submissions (2):

Labcorp Genetics (formerly Invitae), Labcorp
Classification: Likely pathogenic for Methylmalonic aciduria and homocystinuria type cblF. Last evaluated: 2023-12-21. Review status: criteria provided, single submitter. Criteria: Invitae Variant Classification Sherloc (09022015). Collection method: clinical testing. Allele origin: germline.
Comment: This sequence change affects a donor splice site in intron 8 of the LMBRD1 gene. It is expected to disrupt RNA splicing. Variants that disrupt the donor or acceptor splice site typically lead to a loss of protein function (PMID: 16199547), and loss-of-function variants in LMBRD1 are known to be pathogenic (PMID: 19136951, 21303734). This variant is present in population databases (rs374040562, gnomAD 0.002%). This variant has not been reported in the literature in individuals affected with LMBRD1-related conditions. ClinVar contains an entry for this variant (Variation ID: 2630005). Algorithms developed to predict the effect of sequence changes on RNA splicing suggest that this variant may disrupt the consensus splice site. In summary, the currently available evidence indicates that the variant is pathogenic, but additional data are needed to prove that conclusively. Therefore, this variant has been classified as Likely Pathogenic.

PreventionGenetics, part of Exact Sciences
Classification: Likely pathogenic for LMBRD1-related condition. Last evaluated: 2022-12-27. Review status: criteria provided, single submitter. Criteria: ACMG Guidelines, 2015. Collection method: clinical testing. Allele origin: germline.
Comment: The LMBRD1 c.762+1G>A variant is predicted to disrupt the GT donor site and interfere with normal splicing. To our knowledge, this variant has not been reported in the literature. This variant is reported in 0.0018% of alleles in individuals of European (Non-Finnish) descent in gnomAD. Variants that disrupt the consensus splice donor site in LMBRD1 are expected to be pathogenic. This variant is interpreted as likely pathogenic.

Literature cited by the submitters: PubMed 16199547 (cited by Labcorp Genetics (formerly Invitae), Labcorp); PubMed 19136951 (cited by Labcorp Genetics (formerly Invitae), Labcorp); PubMed 21303734 (cited by Labcorp Genetics (formerly Invitae), Labcorp).

NM_018368.4(LMBRD1):c.762+1G>A

Gene: LMBRD1 (LMBR1 domain containing 1; minus strand). Cytogenetic location: 6q13.
Variant type: single nucleotide variant.
Coding change: c.762+1G>A on transcript NM_018368.4 (MANE Select); the canonical splice donor site of the intron after coding-DNA position 762, G replaced by A.
Molecular consequence: splice donor variant.
Genome position (GRCh38, 1-based): chr6:69,718,955, C>T on the plus strand (G>A on the coding strand, the complement: LMBRD1 is on the minus strand). VCF-style: chr6-69718955-C-T. GRCh37 (hg19) VCF-style: chr6-70428847-C-T.
Other names: c.543+1G>A (NM_001367272.1, NM_001367271.1, NM_001363722.2).
Identifiers: ClinVar variation 2630005 (VCV002630005.4), dbSNP rs374040562, ClinGen allele CA3879797.